The following is an entry in ClinVar:

NM_001099271.2(POC5):c.1351G>A (p.Val451Ile)

Gene: POC5 (POC5 centriolar protein; minus strand). Cytogenetic location: 5q13.3.
Variant type: single nucleotide variant.
Coding change: c.1351G>A on transcript NM_001099271.2 (MANE Select); coding-DNA position 1351, G replaced by A.
Protein change: p.Val451Ile; replaces valine 451 with isoleucine.
Molecular consequence: missense variant.
Genome position (GRCh38, 1-based): chr5:75,685,263, C>T on the plus strand (G>A on the coding strand, the complement: POC5 is on the minus strand). VCF-style: chr5-75685263-C-T. GRCh37 (hg19) VCF-style: chr5-74981088-C-T.
Other names: c.1276G>A, p.Val426Ile (NM_152408.3); short protein forms V451I, V426I.
Identifiers: ClinVar variation 1500154 (VCV001500154.7), dbSNP rs552713438, ClinGen allele CA3310335.

ClinVar aggregate classification (germline): Uncertain significance (1 of 4 stars; one submission).

Allele frequency attached by ClinVar (database versions not stated): gnomAD 0.00001; gnomAD exomes 0.00001 and 0.00002; TOPMed 0.00001; ExAC 0.00003; 1000 Genomes Project 0.00020; 1000 Genomes Project 30x 0.00031.
gnomAD v4.1: 25 of 1,614,006 alleles (0.0015%); highest among the groups gnomAD compares: African/African-American, 0.012%; 1 homozygote.

Submission:

Labcorp Genetics (formerly Invitae), Labcorp
Classification: Uncertain significance. Last evaluated: 2024-01-02. Review status: criteria provided, single submitter. Criteria: Invitae Variant Classification Sherloc (09022015). Collection method: clinical testing. Allele origin: germline.
Comment: This sequence change replaces valine, which is neutral and non-polar, with isoleucine, which is neutral and non-polar, at codon 451 of the POC5 protein (p.Val451Ile). This variant is present in population databases (rs552713438, gnomAD 0.01%). This variant has not been reported in the literature in individuals affected with POC5-related conditions. ClinVar contains an entry for this variant (Variation ID: 1500154). An algorithm developed to predict the effect of missense changes on protein structure and function (PolyPhen-2) suggests that this variant is likely to be disruptive. In summary, the available evidence is currently insufficient to determine the role of this variant in disease. Therefore, it has been classified as a Variant of Uncertain Significance.